The following is an entry in ClinVar:

NM_001854.4(COL11A1):c.5274G>C (p.Ala1758=)

Genes: COL11A1 (collagen type XI alpha 1 chain; minus strand), LOC126805814 (P300/CBP strongly-dependent group 1 enhancer GRCh37_chr1:103344928-103346127; plus strand). Cytogenetic location: 1p21.1.
Variant type: single nucleotide variant.
Coding change: c.5274G>C on transcript NM_001854.4 (MANE Select); coding-DNA position 5274, G replaced by C.
Protein change: p.Ala1758=; no amino-acid change (alanine 1758 retained).
Molecular consequence: synonymous variant. On other transcripts: non-coding transcript variant (1).
Genome position (GRCh38, 1-based): chr1:102,879,683, C>G on the plus strand (G>C on the coding strand, the complement: COL11A1 is on the minus strand). VCF-style: chr1-102879683-C-G. GRCh37 (hg19) VCF-style: chr1-103345239-C-G.
Other names: c.5157G>C, p.Ala1719= (NM_001190709.2); c.5310G>C, p.Ala1770= (NM_080629.3); c.4926G>C, p.Ala1642= (NM_080630.4).
Identifiers: ClinVar variation 3724136 (VCV003724136.2).

ClinVar aggregate classification (germline): Uncertain significance (1 of 4 stars; one submission).

Submission:

Labcorp Genetics (formerly Invitae), Labcorp
Classification: Uncertain significance. Last evaluated: 2024-10-30. Review status: criteria provided, single submitter. Criteria: Invitae Variant Classification Sherloc (09022015). Collection method: clinical testing. Allele origin: germline.
Comment: This sequence change affects codon 1758 of the COL11A1 mRNA. It is a 'silent' change, meaning that it does not change the encoded amino acid sequence of the COL11A1 protein. This variant also falls at the last nucleotide of exon 66, which is part of the consensus splice site for this exon. This variant is not present in population databases (gnomAD no frequency). This variant has not been reported in the literature in individuals affected with COL11A1-related conditions. Variants that disrupt the consensus splice site are a relatively common cause of aberrant splicing (PMID: 17576681, 9536098). Algorithms developed to predict the effect of sequence changes on RNA splicing suggest that this variant is not likely to affect RNA splicing. In summary, the available evidence is currently insufficient to determine the role of this variant in disease. Therefore, it has been classified as a Variant of Uncertain Significance.

Literature cited by the submitters: PubMed 17576681; PubMed 9536098.